The following is an entry in ClinVar:

ClinVar aggregate classification (germline): Pathogenic (1 of 4 stars; one submission).

Submission:

Labcorp Genetics (formerly Invitae), Labcorp
Classification: Pathogenic. Last evaluated: 2020-06-13. Review status: criteria provided, single submitter. Criteria: Invitae Variant Classification Sherloc (09022015). Collection method: clinical testing. Allele origin: germline.
Comment: For these reasons, this variant has been classified as Pathogenic. Loss-of-function variants in PPOX are known to be pathogenic (PMID: 10486317). This variant has been observed in individuals with variegate porphyria (PMID: 10874330). This variant is not present in population databases (ExAC no frequency). This sequence change creates a premature translational stop signal (p.Tyr348Leufs*2) in the PPOX gene. It is expected to result in an absent or disrupted protein product.

Literature cited by the submitters: PubMed 10486317; PubMed 10874330.

NM_001122764.3(PPOX):c.1042dup (p.Tyr348fs)

Gene: PPOX (protoporphyrinogen oxidase; plus strand). Cytogenetic location: 1q23.3.
Variant type: Duplication.
Coding change: c.1042dup on transcript NM_001122764.3 (MANE Select); coding-DNA position 1042, one base duplicated (T; older notation c.1042dupT).
Protein change: p.Tyr348fs; shifts the reading frame from tyrosine 348.
Molecular consequence: frameshift variant. On other transcripts: intron variant (1).
Genome position (GRCh38, 1-based): chr1:161,170,463, T duplicated. VCF-style (leftmost placement, unchanged base first): chr1-161170462-G-GT. GRCh37 (hg19) VCF-style: chr1-161140252-G-GT.
Other names: c.1042dup, p.Tyr348fs (NM_000309.5, NM_001365398.1); c.943dup, p.Tyr315fs (NM_001350128.2); c.634dup, p.Tyr212fs (NM_001350129.2, NM_001365400.1); c.556dup, p.Tyr186fs (NM_001350130.2, NM_001350131.2, NM_001365401.1); c.988-157dup (NM_001365399.1); short protein forms Y186fs, Y212fs, Y315fs, Y348fs.
Identifiers: ClinVar variation 1072576 (VCV001072576.9), dbSNP rs2101898546, ClinGen allele CA2499214268.
Genomic context (GRCh38, chr1:161,170,462, plus strand): 5'-TCTCCAGGGATTTGGACATTTGGTGCCATCTTCAGAAGATCCAGGAGTCCTGGGAATCGT[G>GT]TATGACTCAGTTGCTTTCCCTGAGCAGGACGGGAGCCCCCCTGGCCTCAGAGTGACTGTG-3'